The following is an entry in ClinVar:

NM_000124.4(ERCC6):c.3371del (p.Ser1124fs)

Gene: ERCC6 (ERCC excision repair 6, chromatin remodeling factor; minus strand). Cytogenetic location: 10q11.23.
Variant type: Deletion.
Coding change: c.3371del on transcript NM_000124.4 (MANE Select); coding-DNA position 3371, one base deleted (G; older notation c.3371delG).
Protein change: p.Ser1124fs; shifts the reading frame from serine 1124.
Molecular consequence: frameshift variant.
Genome position (GRCh38, 1-based): chr10:49,470,589, C deleted on the plus strand (G on the coding strand, the reverse complement: ERCC6 is on the minus strand). VCF-style (leftmost placement, unchanged base first): chr10-49470588-AC-A. GRCh37 (hg19) VCF-style: chr10-50678634-AC-A.
Other names: c.3371del, p.Ser1124fs (NM_001346440.2); short protein forms S1124fs.
Identifiers: ClinVar variation 1075573 (VCV001075573.7), dbSNP rs2132537341, ClinGen allele CA2499220248.

ClinVar aggregate classification (germline): Pathogenic (1 of 4 stars; one submission).

Allele frequency attached by ClinVar (database versions not stated): gnomAD exomes below 0.00001.

Submission:

Labcorp Genetics (formerly Invitae), Labcorp
Classification: Pathogenic. Last evaluated: 2020-05-15. Review status: criteria provided, single submitter. Criteria: Invitae Variant Classification Sherloc (09022015). Collection method: clinical testing. Allele origin: germline.
Comment: For these reasons, this variant has been classified as Pathogenic. Loss-of-function variants in ERCC6 are known to be pathogenic (PMID: 18628313, 29572252). This variant has not been reported in the literature in individuals with ERCC6-related conditions. This variant is not present in population databases (ExAC no frequency). This sequence change creates a premature translational stop signal (p.Ser1124Metfs*28) in the ERCC6 gene. It is expected to result in an absent or disrupted protein product.

Literature cited by the submitters: PubMed 18628313; PubMed 29572252.